The following is an entry in ClinVar:

ClinVar aggregate classification (germline): Uncertain significance. Review status: reviewed by expert panel (3 of 4 stars). 2 submissions from 2 submitters: Uncertain significance (1). 1 of the submissions does not count toward it. Last evaluated 2024-09-18.

Conditions:
Hereditary thrombocytopenia and hematologic cancer predisposition syndrome. Identifiers: Orphanet 71290, MedGen CN281654, MONDO:0011071.
Hereditary thrombocytopenia and hematological cancer predisposition syndrome associated with RUNX1. Also called: PLATELET DISORDER, ASPIRIN-LIKE; Familial Platelet Disorder with Propensity to Acute Myelogenous Leukemia; Familial thrombocytopenia with propensity to acute myelogenous leukemia; RUNX1 Familial Platelet Disorder with Associated Myeloid Malignancies. Identifiers: Orphanet 71290, MedGen C1832388, MeSH C563324, MONDO:0100083, OMIM 601399.

Submissions (2):

ClinGen Myeloid Malignancy Variant Curation Expert Panel
Classification: Uncertain significance for Hereditary thrombocytopenia and hematologic cancer predisposition syndrome. Last evaluated: 2024-09-18. Review status: reviewed by expert panel. Criteria: ClinGen MyeloMalig ACMG Specifications v2. Collection method: curation. Allele origin: germline. Inheritance: Autosomal dominant inheritance.
Comment: NM_001754.5(RUNX1):c.559G>T (p.Ala187Ser) is a missense variant which has a REVEL score ≥ 0.88 (0.946) (PP3). This variant affects a codon within the Runt Homology domain (AA 89-204) but does not occur within an established hotspot residue (PM1_Supporting). This variant is completely absent from all population databases with at least 20x coverage for RUNX1 (PM2_Supporting). In summary, the clinical significance of this variant is uncertain. ACMG/AMP criteria applied, as specified by the Myeloid Malignancy Variant Curation Expert Panel for RUNX1: PP3, PM1_supporting, PM2_supporting.

Labcorp Genetics (formerly Invitae), Labcorp
Classification: Uncertain significance for Hereditary thrombocytopenia and hematological cancer predisposition syndrome associated with RUNX1. Last evaluated: 2019-04-03. Review status: criteria provided, single submitter. Criteria: Invitae Variant Classification Sherloc (09022015). Collection method: clinical testing. Allele origin: germline. Not counted in ClinVar's aggregate classification.
Comment: In summary, the available evidence is currently insufficient to determine the role of this variant in disease. Therefore, it has been classified as a Variant of Uncertain Significance. Algorithms developed to predict the effect of missense changes on protein structure and function are either unavailable or do not agree on the potential impact of this missense change (SIFT: "Deleterious"; PolyPhen-2: "Benign"; Align-GVGD: "Class C0"). This variant has not been reported in the literature in individuals with RUNX1-related conditions. This variant is not present in population databases (ExAC no frequency). This sequence change replaces alanine with serine at codon 187 of the RUNX1 protein (p.Ala187Ser). The alanine residue is highly conserved and there is a moderate physicochemical difference between alanine and serine.

NM_001754.5(RUNX1):c.559G>T (p.Ala187Ser)

Genes: RUNX1 (RUNX family transcription factor 1; minus strand), RUNX1-AS1 (RUNX1 antisense RNA 1; plus strand). Cytogenetic location: 21q22.12.
Variant type: single nucleotide variant.
Coding change: c.559G>T on transcript NM_001754.5 (MANE Select); coding-DNA position 559, G replaced by T.
Protein change: p.Ala187Ser; replaces alanine 187 with serine.
Molecular consequence: missense variant.
Genome position (GRCh38, 1-based): chr21:34,859,528, C>A on the plus strand (G>T on the coding strand, the complement: RUNX1 is on the minus strand). VCF-style: chr21-34859528-C-A. GRCh37 (hg19) VCF-style: chr21-36231825-C-A.
Other names: NM_001754.5(RUNX1):c.559G>T; p.Ala187Ser; c.478G>T, p.Ala160Ser (NM_001001890.3, NM_001122607.2); short protein forms A160S, A187S.
Identifiers: ClinVar variation 840423 (VCV000840423.11), dbSNP rs1429953108, ClinGen allele CA410208050.